The following is an entry in ClinVar:

ClinVar aggregate classification (germline): Likely pathogenic (1 of 4 stars; one submission).

Submission:

GeneDx
Classification: Likely pathogenic. Last evaluated: 2025-08-29. Review status: criteria provided, single submitter. Criteria: GeneDx Variant Classification Process June 2021. Collection method: clinical testing. Allele origin: germline. Affected: yes.
Comment: Canonical splice site variant predicted to result in a null allele in a gene for which loss of function is a known mechanism of disease; Not observed at significant frequency in large population cohorts (gnomAD); Has not been previously published as pathogenic or benign to our knowledge

NM_002608.4(PDGFB):c.251-1G>T

Gene: PDGFB (platelet derived growth factor subunit B; minus strand). Cytogenetic location: 22q13.1.
Variant type: single nucleotide variant.
Coding change: c.251-1G>T on transcript NM_002608.4 (MANE Select); the canonical splice acceptor site of the intron before coding-DNA position 251, G replaced by T.
Molecular consequence: splice acceptor variant.
Genome position (GRCh38, 1-based): chr22:39,231,828, C>A on the plus strand (G>T on the coding strand, the complement: PDGFB is on the minus strand). VCF-style: chr22-39231828-C-A. GRCh37 (hg19) VCF-style: chr22-39627833-C-A.
Other names: c.206-1G>T (NM_033016.3).
Identifiers: ClinVar variation 4812892 (VCV004812892.1).
Genomic context (GRCh38, chr22:39,231,828, plus strand): 5'-ACACCTCGGTGCGCGTCTTGCACTCGGCGATCATGGCCGGCTCAGCAATGGTCAGGGAAC[C>A]TGGGAGGAGACGAAACCTGGGTCAGGAGCGTAGGCCTGTCCAGAGTCCCCCCACTTGGCA-3'